The following is an entry in ClinVar:

NM_020806.5(GPHN):c.1592T>C (p.Phe531Ser)

Gene: GPHN (gephyrin; plus strand). Cytogenetic location: 14q23.3.
Variant type: single nucleotide variant.
Coding change: c.1592T>C on transcript NM_020806.5 (MANE Select); coding-DNA position 1592, T replaced by C.
Protein change: p.Phe531Ser; replaces phenylalanine 531 with serine.
Molecular consequence: missense variant.
Genome position (GRCh38, 1-based): chr14:67,113,137, T>C. VCF-style: chr14-67113137-T-C. GRCh37 (hg19) VCF-style: chr14-67579854-T-C.
Other names: c.1493T>C, p.Phe498Ser (NM_001024218.2); c.1652T>C, p.Phe551Ser (NM_001377514.1); c.1622T>C, p.Phe541Ser (NM_001377515.1); c.1613T>C, p.Phe538Ser (NM_001377516.1); c.1565T>C, p.Phe522Ser (NM_001377517.1); c.1550T>C, p.Phe517Ser (NM_001377518.1); c.1532T>C, p.Phe511Ser (NM_001377519.1); short protein forms F498S, F511S, F517S, F522S, F531S, F538S, F541S, F551S.
Identifiers: ClinVar variation 1015788 (VCV001015788.9), dbSNP rs2078474162, ClinGen allele CA390258888.

ClinVar aggregate classification (germline): Uncertain significance (1 of 4 stars; one submission).

Conditions:
Sulfite oxidase deficiency due to molybdenum cofactor deficiency type C. Also called: Molybdenum cofactor deficiency, complementation group C; Molybdenum cofactor deficiency C. Identifiers: Orphanet 308400, Orphanet 833, MedGen C1854990, MONDO:0014212, OMIM 615501.

Submission:

Labcorp Genetics (formerly Invitae), Labcorp
Classification: Uncertain significance for Sulfite oxidase deficiency due to molybdenum cofactor deficiency type C. Last evaluated: 2023-07-17. Review status: criteria provided, single submitter. Criteria: Invitae Variant Classification Sherloc (09022015). Collection method: clinical testing. Allele origin: germline.
Comment: Advanced modeling of protein sequence and biophysical properties (such as structural, functional, and spatial information, amino acid conservation, physicochemical variation, residue mobility, and thermodynamic stability) performed at Invitae indicates that this missense variant is not expected to disrupt GPHN protein function. ClinVar contains an entry for this variant (Variation ID: 1015788). This variant has not been reported in the literature in individuals affected with GPHN-related conditions. This variant is not present in population databases (gnomAD no frequency). This sequence change replaces phenylalanine, which is neutral and non-polar, with serine, which is neutral and polar, at codon 531 of the GPHN protein (p.Phe531Ser). In summary, the available evidence is currently insufficient to determine the role of this variant in disease. Therefore, it has been classified as a Variant of Uncertain Significance.